The following is an entry in ClinVar:

NM_006231.4(POLE):c.4634_4635inv (p.Leu1545Arg)

Gene: POLE (DNA polymerase epsilon, catalytic subunit; minus strand). Cytogenetic location: 12q24.33.
Variant type: Inversion.
Coding change: c.4634_4635inv on transcript NM_006231.4 (MANE Select).
Protein change: p.Leu1545Arg; replaces leucine 1545 with arginine.
Molecular consequence: missense variant.
Genome position: GRCh38 VCF-style: chr12-132642913-GA-TC. GRCh37 (hg19) VCF-style: chr12-133219499-GA-TC.
Other names: short protein forms L1545R.
Identifiers: ClinVar variation 2731121 (VCV002731121.3), ClinGen allele CA2697551579.

ClinVar aggregate classification (germline): Uncertain significance (1 of 4 stars; one submission).

Submission:

Labcorp Genetics (formerly Invitae), Labcorp
Classification: Uncertain significance. Last evaluated: 2023-06-27. Review status: criteria provided, single submitter. Criteria: Invitae Variant Classification Sherloc (09022015). Collection method: clinical testing. Allele origin: germline.
Comment: An algorithm developed to predict the effect of missense changes on protein structure and function (PolyPhen-2) suggests that this variant is likely to be tolerated. In summary, the available evidence is currently insufficient to determine the role of this variant in disease. Therefore, it has been classified as a Variant of Uncertain Significance. This variant has not been reported in the literature in individuals affected with POLE-related conditions. Information on the frequency of this variant in the gnomAD database is not available, as this variant may be reported differently in the database. This sequence change replaces leucine, which is neutral and non-polar, with arginine, which is basic and polar, at codon 1545 of the POLE protein (p.Leu1545Arg).